The following is an entry in ClinVar:

ClinVar aggregate classification (germline): Uncertain significance. Review status: criteria provided, multiple submitters, no conflicts (2 of 4 stars). 2 submissions from 2 submitters: Uncertain significance (2). Last evaluated 2021-12-07.

Conditions:
Neurodevelopmental disorder with impaired language and ataxia and with or without seizures. Identifiers: MedGen C5562006, MONDO:0859201, OMIM 619580.

Allele frequency attached by ClinVar (database versions not stated): TOPMed below 0.00001; ExAC 0.00001; gnomAD exomes 0.00001.
gnomAD v4.1: 21 of 1,603,756 alleles (0.0013%); highest among the groups gnomAD compares: Non-Finnish European, 0.0011%; no homozygotes.

Submissions (2):

UNC Molecular Genetics  Laboratory, University of North Carolina at Chapel Hill
Classification: Uncertain significance for Neurodevelopmental disorder with impaired language and ataxia and with or without seizures. Last evaluated: 2021-12-07. Review status: criteria provided, single submitter. Criteria: ACMG Guidelines, 2015. Collection method: research. Allele origin: unknown. Observed: 1 variant allele. Study: CSER_NCGENES_2.
Comment: GRIK2 c.205A>G p.(Thr69Ala) is a missense variant which is predicted to change a single amino acid from a threonine to an alanine. This variant is observed in gnomAD v2.1.1 with a global minor allele frequency of 0.0008% (2 alleles/250,542 alleles, 0 homozygotes). To our knowledge, this variant has not been reported previously in the literature and is therefore classified as a variant of uncertain significance.

CeGaT Center for Human Genetics Tuebingen
Classification: Uncertain significance. Last evaluated: 2021-12-01. Review status: criteria provided, single submitter. Criteria: CeGaT Center For Human Genetics Tuebingen Variant Classification Criteria Version 2. Collection method: clinical testing. Allele origin: germline. Affected: yes. Observed: 1 variant allele.

NM_021956.5(GRIK2):c.205A>G (p.Thr69Ala)

Gene: GRIK2 (glutamate ionotropic receptor kainate type subunit 2; plus strand). Cytogenetic location: 6q16.3.
Variant type: single nucleotide variant.
Coding change: c.205A>G on transcript NM_021956.5 (MANE Select); coding-DNA position 205, A replaced by G.
Protein change: p.Thr69Ala; replaces threonine 69 with alanine.
Molecular consequence: missense variant.
Genome position (GRCh38, 1-based): chr6:101,622,038, A>G. VCF-style: chr6-101622038-A-G. GRCh37 (hg19) VCF-style: chr6-102069913-A-G.
Other names: c.205A>G, p.Thr69Ala (NM_001166247.1, NM_175768.3); short protein forms T69A.
Identifiers: ClinVar variation 1335639 (VCV001335639.36), dbSNP rs765599779, ClinGen allele CA3939257.